The following is an entry in ClinVar:

ClinVar aggregate classification (germline): Uncertain significance (1 of 4 stars; one submission).

Submission:

GeneDx
Classification: Uncertain significance. Last evaluated: 2026-04-16. Review status: criteria provided, single submitter. Criteria: GeneDx Variant Classification Process June 2021. Collection method: clinical testing. Allele origin: germline.
Comment: Not observed at significant frequency in large population cohorts (gnomAD); In silico analysis suggests that this missense variant does not alter protein structure/function; Has not been previously published as pathogenic or benign to our knowledge

NM_014233.4(UBTF):c.1918C>A (p.Gln640Lys)

Genes: ATXN7L3-AS1 (ATXN7L3 antisense RNA 1; plus strand), UBTF (upstream binding transcription factor; minus strand). Cytogenetic location: 17q21.31.
Variant type: single nucleotide variant.
Coding change: c.1918C>A on transcript NM_014233.4 (MANE Select); coding-DNA position 1918, C replaced by A.
Protein change: p.Gln640Lys; replaces glutamine 640 with lysine.
Molecular consequence: missense variant. On other transcripts: non-coding transcript variant (1).
Genome position (GRCh38, 1-based): chr17:44,207,899, G>T on the plus strand (C>A on the coding strand, the complement: UBTF is on the minus strand). VCF-style: chr17-44207899-G-T. GRCh37 (hg19) VCF-style: chr17-42285267-G-T.
Other names: c.1807C>A, p.Gln603Lys (NM_001076683.2, NM_001076684.3); short protein forms Q603K, Q640K.
Identifiers: ClinVar variation 5037298 (VCV005037298.1).